The following is an entry in ClinVar:

ClinVar aggregate classification (germline): Uncertain significance (1 of 4 stars; one submission).

Submission:

Labcorp Genetics (formerly Invitae), Labcorp
Classification: Uncertain significance. Last evaluated: 2025-12-11. Review status: criteria provided, single submitter. Criteria: Invitae Variant Classification Sherloc (09022015). Collection method: clinical testing. Allele origin: germline.
Comment: This sequence change replaces glycine, which is neutral and non-polar, with aspartic acid, which is acidic and polar, at codon 803 of the FBXO11 protein (p.Gly803Asp). This variant is not present in population databases (gnomAD no frequency). This variant has not been reported in the literature in individuals affected with FBXO11-related conditions. An algorithm developed to predict the effect of missense changes on protein structure and function (PolyPhen-2) suggests that this variant is likely to be disruptive. In summary, the available evidence is currently insufficient to determine the role of this variant in disease. Therefore, it has been classified as a Variant of Uncertain Significance.

NM_001190274.2(FBXO11):c.2408G>A (p.Gly803Asp)

Genes: FBXO11 (F-box protein 11; minus strand), MSH6 (mutS homolog 6; plus strand). Cytogenetic location: 2p16.3.
Variant type: single nucleotide variant.
Coding change: c.2408G>A on transcript NM_001190274.2 (MANE Select); coding-DNA position 2408, G replaced by A.
Protein change: p.Gly803Asp; replaces glycine 803 with aspartic acid.
Molecular consequence: missense variant. On other transcripts: intron variant (6).
Genome position (GRCh38, 1-based): chr2:47,809,638, C>T on the plus strand (G>A on the coding strand, the complement: FBXO11 is on the minus strand). VCF-style: chr2-47809638-C-T. GRCh37 (hg19) VCF-style: chr2-48036777-C-T.
Other names: c.2156G>A, p.Gly719Asp (NM_001374325.1, NM_025133.4); c.*44-361C>T (NM_001406809.1); c.*41-361C>T (NM_001406796.1, NM_001406811.1, NM_001406805.1 and 2 more transcripts); short protein forms G803D, G719D.
Identifiers: ClinVar variation 4732330 (VCV004732330.1).